The following is an entry in ClinVar:

NM_014975.3(MAST1):c.1177C>T (p.His393Tyr)

Gene: MAST1 (microtubule associated serine/threonine kinase 1; plus strand). Cytogenetic location: 19p13.13.
Variant type: single nucleotide variant.
Coding change: c.1177C>T on transcript NM_014975.3 (MANE Select); coding-DNA position 1177, C replaced by T.
Protein change: p.His393Tyr; replaces histidine 393 with tyrosine.
Molecular consequence: missense variant.
Genome position (GRCh38, 1-based): chr19:12,858,550, C>T. VCF-style: chr19-12858550-C-T. GRCh37 (hg19) VCF-style: chr19-12969364-C-T.
Other names: short protein forms H393Y.
Identifiers: ClinVar variation 930806 (VCV000930806.3), dbSNP rs1970044016, ClinGen allele CA404267292.

ClinVar aggregate classification (germline): Uncertain significance (1 of 4 stars; one submission).

Conditions:
Mega-corpus-callosum syndrome with cerebellar hypoplasia and cortical malformations. Identifiers: MedGen C4748927, MONDO:0032648, OMIM 618273.

Submission:

Centre for Mendelian Genomics, University Medical Centre Ljubljana
Classification: Uncertain significance for Mega-corpus-callosum syndrome with cerebellar hypoplasia and cortical malformations. Last evaluated: 2019-08-12. Review status: criteria provided, single submitter. Criteria: ACMG Guidelines, 2015. Collection method: clinical testing. Allele origin: unknown. Affected: yes.
Comment: This variant was classified as: Uncertain significance. The available evidence on this variant's pathogenicity is insufficient or conflicting. The following ACMG criteria were applied in classifying this variant: PM2,PP3.